The following is an entry in ClinVar:

NM_020806.5(GPHN):c.944C>T (p.Ala315Val)

Gene: GPHN (gephyrin; plus strand). Cytogenetic location: 14q23.3.
Variant type: single nucleotide variant.
Coding change: c.944C>T on transcript NM_020806.5 (MANE Select); coding-DNA position 944, C replaced by T.
Protein change: p.Ala315Val; replaces alanine 315 with valine.
Molecular consequence: missense variant.
Genome position (GRCh38, 1-based): chr14:66,965,306, C>T. VCF-style: chr14-66965306-C-T. GRCh37 (hg19) VCF-style: chr14-67432023-C-T.
Other names: c.845C>T, p.Ala282Val (NM_001024218.2, NM_001377515.1, NM_001377516.1 and 2 more transcripts); c.884C>T, p.Ala295Val (NM_001377514.1, NM_001377519.1); short protein forms A282V, A315V, A295V.
Identifiers: ClinVar variation 4778632 (VCV004778632.1).

ClinVar aggregate classification (germline): Uncertain significance (1 of 4 stars; one submission).

Conditions:
Sulfite oxidase deficiency due to molybdenum cofactor deficiency type C. Also called: Molybdenum cofactor deficiency, complementation group C; Molybdenum cofactor deficiency C. Identifiers: Orphanet 308400, Orphanet 833, MedGen C1854990, MONDO:0014212, OMIM 615501.

gnomAD v4.1: 1 of 1,613,780 alleles (0.000062%); highest among the groups gnomAD compares: South Asian, 0.0011%; no homozygotes.

Submission:

Labcorp Genetics (formerly Invitae), Labcorp
Classification: Uncertain significance for Sulfite oxidase deficiency due to molybdenum cofactor deficiency type C. Last evaluated: 2025-09-17. Review status: criteria provided, single submitter. Criteria: Invitae Variant Classification Sherloc (09022015). Collection method: clinical testing. Allele origin: germline.
Comment: This sequence change replaces alanine, which is neutral and non-polar, with valine, which is neutral and non-polar, at codon 315 of the GPHN protein (p.Ala315Val). This variant is present in population databases (rs545859895, gnomAD 0.003%). This variant has not been reported in the literature in individuals affected with GPHN-related conditions. Invitae Evidence Modeling of protein sequence and biophysical properties (such as structural, functional, and spatial information, amino acid conservation, physicochemical variation, residue mobility, and thermodynamic stability) indicates that this missense variant is not expected to disrupt GPHN protein function with a negative predictive value of 80%. In summary, the available evidence is currently insufficient to determine the role of this variant in disease. Therefore, it has been classified as a Variant of Uncertain Significance.